The following is an entry in ClinVar:

ClinVar aggregate classification (germline): Likely pathogenic (1 of 4 stars; one submission).

Conditions:
Arrhythmogenic right ventricular dysplasia 9 (ARVD9). Also called: Arrhythmogenic Right Ventricular Dysplasia/Cardiomyopathy 9; ARRHYTHMOGENIC RIGHT VENTRICULAR DYSPLASIA, FAMILIAL, 9. Identifiers: MedGen C1836906, MONDO:0012180, OMIM 609040.

Submission:

Clinical Genomics Laboratory, Washington University in St. Louis
Classification: Likely pathogenic for Arrhythmogenic right ventricular dysplasia 9. Last evaluated: 2025-08-04. Review status: criteria provided, single submitter. Criteria: ACMG Guidelines, 2015. Collection method: clinical testing. Allele origin: germline. Affected: yes.
Comment: The PKP2 c.1101dup (p.Ser368Ilefs*19) variant, to our knowledge, has not been reported in the medical literature. This variant causes a frameshift by inserting a single nucleotide, leading to a premature termination codon, which is predicted to lead to nonsense mediated decay. This variant is absent from the general population (gnomAD v2.1.1), indicating it is not a common variant. Based on available information and the ACMG/AMP guidelines for variant interpretation (Richards S et al., PMID: 25741868), this variant is classified as likely pathogenic.

NM_001005242.3(PKP2):c.1101dup (p.Ser368fs)

Gene: PKP2 (plakophilin 2; minus strand). Cytogenetic location: 12p11.21.
Variant type: Duplication.
Coding change: c.1101dup on transcript NM_001005242.3 (MANE Select); coding-DNA position 1101, one base duplicated (A; older notation c.1101dupA).
Protein change: p.Ser368fs; shifts the reading frame from serine 368.
Molecular consequence: frameshift variant.
Genome position (GRCh38, 1-based): chr12:32,868,996, T duplicated on the plus strand (A on the coding strand, the reverse complement: PKP2 is on the minus strand). VCF-style (leftmost placement, unchanged base first): chr12-32868995-A-AT. GRCh37 (hg19) VCF-style: chr12-33021929-A-AT.
Other names: c.774dup, p.Ser259fs (NM_001407159.1, NM_001407160.1, NM_001407162.1 and 1 more transcripts); c.1101dup, p.Ser368fs (NM_001407161.1, NM_004572.4, NM_001407155.1 and 2 more transcripts); short protein forms S259fs, S368fs.
Identifiers: ClinVar variation 4279838 (VCV004279838.1).